The following is an entry in ClinVar:

ClinVar aggregate classification (germline): Pathogenic (1 of 4 stars; one submission).

Conditions:
Mucopolysaccharidosis, MPS-II (MPS2). Also called: Hunter Syndrome; IDURONATE 2-SULFATASE DEFICIENCY; Mucopolysaccharidosis Type II; Mucopolysaccharidosis type 2; Attenuated MPS (subtype; formerly known as mild MPS II); Severe MPS II. Identifiers: Orphanet 580, Orphanet 79388, MedGen C0026705, MONDO:0010674, OMIM 309900.

Submission:

Laboratory of Diagnosis and Therapy of Lysosomal Disorders, University of Padova
Classification: Pathogenic for Mucopolysaccharidosis, MPS-II. Last evaluated: 2024-06-07. Review status: criteria provided, single submitter. Criteria: ACMG Guidelines, 2015. Collection method: literature only. Allele origin: germline. Affected: yes. Observed: 2 variant alleles.
Comment: Null variant (PVS1_VeryStrong), Absent from controls (or at low frequency) in gnomAD database (PM2_Moderate), Patient’s phenotype or family history highly specific for the disease (PP4_Strong)

Classification method: ACMG Guidelines [PMID:25741868] with modifications

Literature cited by the submitters: PubMed 22976768; PubMed 36945845.

NM_000202.8(IDS):c.104-1G>A

Gene: IDS (iduronate 2-sulfatase; minus strand). Cytogenetic location: Xq28.
Variant type: single nucleotide variant.
Coding change: c.104-1G>A on transcript NM_000202.8 (MANE Select); the canonical splice acceptor site of the intron before coding-DNA position 104, G replaced by A.
Molecular consequence: splice acceptor variant.
Genome position (GRCh38, 1-based): chrX:149,504,294, C>T on the plus strand (G>A on the coding strand, the complement: IDS is on the minus strand). VCF-style: chrX-149504294-C-T. GRCh37 (hg19) VCF-style: chrX-148585824-C-T.
Other names: c.-123-1G>A (NM_001166550.4); c.104-1G>A (NM_006123.5).
Identifiers: ClinVar variation 3255759 (VCV003255759.2).
Genomic context (GRCh38, chrX:149,504,294, plus strand): 5'-CATAACAGCCCAGGGAGGGGCGCAGGTCATCCACGATGATGAGAAGAACGTTCAGAGCAT[C>T]TACACAGGAGGGAGGGGCTTTGGTGAGGTAACCTGCACTGACACTGAACCCTCCCTCATG-3'